The following is an entry in ClinVar:

NM_000093.5(COL5A1):c.787-8G>C

Gene: COL5A1 (collagen type V alpha 1 chain; plus strand). Cytogenetic location: 9q34.3.
Variant type: single nucleotide variant.
Coding change: c.787-8G>C on transcript NM_000093.5 (MANE Select); 8 bases into the intron before coding-DNA position 787, G replaced by C.
Molecular consequence: intron variant.
Genome position (GRCh38, 1-based): chr9:134,728,662, G>C. VCF-style: chr9-134728662-G-C. GRCh37 (hg19) VCF-style: chr9-137620508-G-C.
Other names: p.?; c.787-8G>C (NM_001278074.1).
Identifiers: ClinVar variation 1150415 (VCV001150415.11), dbSNP rs780803048, ClinGen allele CA591110932.
Genomic context (GRCh38, chr9:134,728,662, plus strand): 5'-GGAAGGACAGCAGGCTGGTCGCTCTGCGGGCTCCGCTGCTTCCTCACGGGGCCGCAATTC[G>C]CTTTCAGTACACGGAAGGAGACGGCGAGGGTGAGACCTATTACTACGAATACCCCTACTA-3'

ClinVar aggregate classification (germline): Likely benign. Review status: criteria provided, multiple submitters, no conflicts (2 of 4 stars). 2 submissions from 2 submitters: Likely benign (2). Last evaluated 2025-11-21.

Conditions:
Ehlers-Danlos syndrome, classic type, 1 (EDSCL1). Also called: EHLERS-DANLOS SYNDROME, GRAVIS TYPE; EHLERS-DANLOS SYNDROME, SEVERE CLASSIC TYPE; Ehlers-Danlos syndrome, type 1; Ehlers-Danlos Syndrome, Classic Type, COL5A1-Related; EDS I. Identifiers: MedGen C0268335, MONDO:0019567, OMIM 130000.

gnomAD v4.1: 9 of 1,613,834 alleles (0.00056%); highest among the groups gnomAD compares: African/African-American, 0.004%; no homozygotes.

Submissions (2):

Labcorp Genetics (formerly Invitae), Labcorp
Classification: Likely benign for Ehlers-Danlos syndrome, classic type, 1. Last evaluated: 2025-11-21. Review status: criteria provided, single submitter. Criteria: Invitae Variant Classification Sherloc (09022015). Collection method: clinical testing. Allele origin: germline.

Mayo Clinic Laboratories, Mayo Clinic
Classification: Likely benign. Last evaluated: 2025-11-09. Review status: criteria provided, single submitter. Criteria: ACMG Guidelines, 2015. Collection method: clinical testing. Allele origin: germline. Observed: 1 variant allele.
Comment: BP4, BP7